The following is an entry in ClinVar:

ClinVar aggregate classification (germline): Benign. Review status: criteria provided, multiple submitters, no conflicts (2 of 4 stars). 13 submissions from 9 submitters: Benign (12). 1 of the submissions does not count toward it. Last evaluated 2026-02-04.

Conditions:
Congenital myasthenic syndrome 16. Identifiers: Orphanet 590, MedGen C3280112, MONDO:0013620, OMIM 614198.
Paramyotonia congenita of Von Eulenburg. Also called: Eulenburg disease; Myotonia congenita intermittens; Von Eulenburg paramyotonia congenita; PARALYSIS PERIODICA PARAMYOTONICA; Paramyotonia Congenita. Identifiers: Orphanet 684, MedGen C0221055, MONDO:0008195, OMIM 168300. Disease mechanism: loss of function.
Potassium-aggravated myotonia. Also called: MYOTONIA CONGENITA, ACETAZOLAMIDE-RESPONSIVE; MYOTONIA CONGENITA, ATYPICAL; SODIUM CHANNEL MUSCLE DISEASE; Myotonia congenita, atypical, acetazolamide-responsive. Identifiers: Orphanet 612, Orphanet 99734, Orphanet 99735, Orphanet 99736, MedGen C2931826, MONDO:0018959, OMIM 608390.
Hypokalemic periodic paralysis, type 2 (HOKPP2). Identifiers: Orphanet 681, MedGen C2750061, MONDO:0013234, OMIM 613345.
Hyperkalemic periodic paralysis. Also called: Familial hyperkalemic periodic paralysis; Gamstorp disease. Identifiers: Orphanet 682, MedGen C0238357, MONDO:0008224, OMIM 170500, HP:0007215.

Allele frequency attached by ClinVar (database versions not stated): gnomAD exomes 0.03489; gnomAD 0.08466; ExAC 0.04356; 1000 Genomes Project 0.09685; 1000 Genomes Project 30x 0.10087; ESP Exome Variant Server 0.09250; TOPMed 0.09756.
gnomAD v4.1: 47,845 of 1,603,246 alleles (3%); highest among the groups gnomAD compares: African/African-American, 27%; 3,096 homozygotes.

Submissions (13):

Labcorp Genetics (formerly Invitae), Labcorp
Classification: Benign for Hyperkalemic periodic paralysis. Last evaluated: 2026-02-04. Review status: criteria provided, single submitter. Criteria: Invitae Variant Classification Sherloc (09022015). Collection method: clinical testing. Allele origin: germline.

Athena Diagnostics
Classification: Benign. Last evaluated: 2025-06-19. Review status: criteria provided, single submitter. Criteria: Athena Diagnostics Criteria. Collection method: clinical testing. Allele origin: unknown.
Comment: The frequency of this variant in the general population is higher than would generally be expected for pathogenic variants in this gene.

Illumina Laboratory Services, Illumina
Classification: Benign for Hypokalemic periodic paralysis, type 2. Last evaluated: 2018-01-13. Review status: criteria provided, single submitter. Criteria: ICSL Variant Classification Criteria 13 December 2019. Collection method: clinical testing. Allele origin: germline.
Comment: This variant was observed in the ICSL laboratory as part of a predisposition screen in an ostensibly healthy population. It had not been previously curated by ICSL or reported in the Human Gene Mutation Database (HGMD: prior to June 1st, 2018), and was therefore a candidate for classification through an automated scoring system. Utilizing variant allele frequency, disease prevalence and penetrance estimates, and inheritance mode, an automated score was calculated to assess if this variant is too frequent to cause the disease. Based on the score and internal cut-off values, a variant classified as benign is not then subjected to further curation. The score for this variant resulted in a classification of benign for this disease.

Illumina Laboratory Services, Illumina
Classification: Benign for Paramyotonia congenita of Von Eulenburg. Last evaluated: 2018-01-13. Review status: criteria provided, single submitter. Criteria: ICSL Variant Classification Criteria 13 December 2019. Collection method: clinical testing. Allele origin: germline.
Comment: the same text as in the submission from Illumina Laboratory Services, Illumina above.

Illumina Laboratory Services, Illumina
Classification: Benign for Congenital myasthenic syndrome 16. Last evaluated: 2018-01-13. Review status: criteria provided, single submitter. Criteria: ICSL Variant Classification Criteria 13 December 2019. Collection method: clinical testing. Allele origin: germline.
Comment: the same text as in the submission from Illumina Laboratory Services, Illumina above.

Illumina Laboratory Services, Illumina
Classification: Benign for Potassium-aggravated myotonia. Last evaluated: 2018-01-13. Review status: criteria provided, single submitter. Criteria: ICSL Variant Classification Criteria 13 December 2019. Collection method: clinical testing. Allele origin: germline.
Comment: the same text as in the submission from Illumina Laboratory Services, Illumina above.

Illumina Laboratory Services, Illumina
Classification: Benign for Hyperkalemic periodic paralysis. Last evaluated: 2018-01-13. Review status: criteria provided, single submitter. Criteria: ICSL Variant Classification Criteria 13 December 2019. Collection method: clinical testing. Allele origin: germline.
Comment: the same text as in the submission from Illumina Laboratory Services, Illumina above.

Mayo Clinic Laboratories, Mayo Clinic
Classification: Benign. Last evaluated: 2018-01-04. Review status: criteria provided, single submitter. Criteria: ACMG Guidelines, 2015. Collection method: clinical testing. Allele origin: germline. Observed: 87 variant alleles.

GeneDx
Classification: Benign. Last evaluated: 2016-03-01. Review status: criteria provided, single submitter. Criteria: GeneDx Variant Classification (06012015). Collection method: clinical testing. Allele origin: germline. Affected: yes.
Comment: This variant is considered likely benign or benign based on one or more of the following criteria: it is a conservative change, it occurs at a poorly conserved position in the protein, it is predicted to be benign by multiple in silico algorithms, and/or has population frequency not consistent with disease.

Eurofins Ntd Llc (ga)
Classification: Benign. Last evaluated: 2013-05-09. Review status: criteria provided, single submitter. Criteria: EGL Classification Definitions 2015. Collection method: clinical testing. Allele origin: germline. Observed: 2 variant alleles, 1 heterozygote, 1 homozygote.

Breakthrough Genomics
Classification: Benign. Review status: criteria provided, single submitter. Criteria: ACMG Guidelines, 2015. Collection method: not provided. Allele origin: germline. Inheritance: Autosomal recessive inheritance. Affected: yes.

PreventionGenetics, part of Exact Sciences
Classification: Benign. Review status: criteria provided, single submitter. Criteria: ACMG Guidelines, 2015. Collection method: clinical testing. Allele origin: germline.

Genetic Services Laboratory, University of Chicago
Classification: Likely benign for AllHighlyPenetrant. Review status: no assertion criteria provided. Collection method: clinical testing. Allele origin: germline. Inheritance: Autosomal recessive inheritance. Not counted in ClinVar's aggregate classification.
Comment: Likely benign based on allele frequency in 1000 Genomes Project or ESP global frequency and its presence in a patient with a rare or unrelated disease phenotype. NOT Sanger confirmed.

NM_000334.4(SCN4A):c.2631T>C (p.Asp877=)

Genes: GH-LCR (growth hormone locus control region; plus strand), SCN4A (sodium voltage-gated channel alpha subunit 4; minus strand). Cytogenetic location: 17q23.3.
Variant type: single nucleotide variant.
Coding change: c.2631T>C on transcript NM_000334.4 (MANE Select); coding-DNA position 2631, T replaced by C.
Protein change: p.Asp877=; no amino-acid change (aspartic acid 877 retained).
Molecular consequence: synonymous variant.
Genome position (GRCh38, 1-based): chr17:63,951,646, A>G on the plus strand (T>C on the coding strand, the complement: SCN4A is on the minus strand). VCF-style: chr17-63951646-A-G. GRCh37 (hg19) VCF-style: chr17-62029006-A-G.
Other names: p.Asp877=.
Identifiers: ClinVar variation 92861 (VCV000092861.28), dbSNP rs79893125, ClinGen allele CA146045.
Genomic context (GRCh38, chr17:63,951,646, plus strand): 5'-CATGTGGTTCAGGATGTGATTGTCCTTCTTCAGGTCCTCCTCGGGCGGCTCCTTCTTCTC[A>G]TCCTCGGGGGCAGTCTCCCCCGCCTCTCCAGCCTCCCCGGCCCCGTCAGCCTCCCCGAGG-3'
Protein context (NP_000325.4, residues 867-887): AGEAGETAPE[Asp877=]EKKEPPEEDL